The following is an entry in ClinVar:

ClinVar aggregate classification (germline): Likely benign. Review status: criteria provided, multiple submitters, no conflicts (2 of 4 stars). 2 submissions from 2 submitters: Likely benign (2). Last evaluated 2025-07-05.

Conditions:
Hereditary diffuse gastric adenocarcinoma (HDGC). Also called: DIFFUSE GASTRIC AND LOBULAR BREAST CANCER SYNDROME. Identifiers: Orphanet 26106, MedGen C1708349, MONDO:0007648, OMIM 137215.

Allele frequency attached by ClinVar (database versions not stated): gnomAD exomes 0.00001.
gnomAD v4.1: 9 of 1,611,750 alleles (0.00056%); highest among the groups gnomAD compares: Non-Finnish European, 0.00076%; no homozygotes.

Submissions (2):

Labcorp Genetics (formerly Invitae), Labcorp
Classification: Likely benign. Last evaluated: 2025-07-05. Review status: criteria provided, single submitter. Criteria: Invitae Variant Classification Sherloc (09022015). Collection method: clinical testing. Allele origin: germline.

Myriad Genetics, Inc.
Classification: Likely benign for Hereditary diffuse gastric adenocarcinoma. Last evaluated: 2024-10-10. Review status: criteria provided, single submitter. Criteria: Myriad Autosomal Dominant, Autosomal Recessive and X-Linked Classification Criteria (2023). Collection method: clinical testing. Allele origin: unknown.
Comment: This variant is considered likely benign. This variant is intronic and is not expected to impact mRNA splicing.

NM_001903.5(CTNNA1):c.589-9C>T

Gene: CTNNA1 (catenin alpha 1; plus strand). Cytogenetic location: 5q31.2.
Variant type: single nucleotide variant.
Coding change: c.589-9C>T on transcript NM_001903.5 (MANE Select); 9 bases into the intron before coding-DNA position 589, C replaced by T.
Molecular consequence: intron variant.
Genome position (GRCh38, 1-based): chr5:138,824,521, C>T. VCF-style: chr5-138824521-C-T. GRCh37 (hg19) VCF-style: chr5-138160210-C-T.
Other names: c.589-9C>T (NM_001323982.2, NM_001323984.2, NM_001290307.3 and 3 more transcripts); c.220-9C>T (NM_001290310.3); c.280-9C>T (NM_001290309.3).
Identifiers: ClinVar variation 703208 (VCV000703208.13), dbSNP rs1581167188, ClinGen allele CA915942658.
Genomic context (GRCh38, chr5:138,824,521, plus strand): 5'-AGCAAATTTTTATATGAGTAAAGCCCATATAAAGAGTGCTCCAATTTCTTGTTTTATTTA[C>T]TCTTGTAGGAATTGAAAGATGTTGGCCATCGTGATCAGATGGCTGCAGCTAGAGGAATCC-3'